The following is an entry in ClinVar:

ClinVar aggregate classification (germline): Uncertain significance (1 of 4 stars; one submission).

Allele frequency attached by ClinVar (database versions not stated): gnomAD exomes below 0.00001; ExAC 0.00001.
gnomAD v4.1: 4 of 1,613,552 alleles (0.00025%); highest among the groups gnomAD compares: South Asian, 0.0044%; no homozygotes.

Submission:

Labcorp Genetics (formerly Invitae), Labcorp
Classification: Uncertain significance. Last evaluated: 2023-01-17. Review status: criteria provided, single submitter. Criteria: Invitae Variant Classification Sherloc (09022015). Collection method: clinical testing. Allele origin: germline.
Comment: This variant has not been reported in the literature in individuals affected with IFT88-related conditions. Algorithms developed to predict the effect of missense changes on protein structure and function are either unavailable or do not agree on the potential impact of this missense change (SIFT: "Not Available"; PolyPhen-2: "Probably Damaging"; Align-GVGD: "Not Available"). In summary, the available evidence is currently insufficient to determine the role of this variant in disease. Therefore, it has been classified as a Variant of Uncertain Significance. This sequence change replaces methionine, which is neutral and non-polar, with threonine, which is neutral and polar, at codon 308 of the IFT88 protein (p.Met308Thr). This variant is present in population databases (rs761898923, gnomAD 0.006%).

NM_006531.5(IFT88):c.896T>C (p.Met299Thr)

Gene: IFT88 (intraflagellar transport 88; plus strand). Cytogenetic location: 13q12.11.
Variant type: single nucleotide variant.
Coding change: c.896T>C on transcript NM_006531.5 (MANE Select); coding-DNA position 896, T replaced by C.
Protein change: p.Met299Thr; replaces methionine 299 with threonine.
Molecular consequence: missense variant. On other transcripts: intron variant (7), non-coding transcript variant (5).
Genome position (GRCh38, 1-based): chr13:20,601,788, T>C. VCF-style: chr13-20601788-T-C. GRCh37 (hg19) VCF-style: chr13-21175927-T-C.
Other names: c.856+40T>C (NM_001353578.2, NM_001353571.2); c.799+40T>C (NM_001353574.2); c.839T>C, p.Met280Thr (NM_001318491.2, NM_001353573.2, NM_001353575.2); c.923T>C, p.Met308Thr (NM_001318493.2, NM_001353565.2, NM_001353566.2 and 2 more transcripts); c.896T>C, p.Met299Thr (NM_001353568.2, NM_001353572.2); c.263T>C, p.Met88Thr (NM_001353579.2); c.883+40T>C (NM_001353570.2, NM_001353576.2, NM_001353577.2 and 1 more transcripts); short protein forms M88T, M299T, M280T, M308T.
Identifiers: ClinVar variation 3003298 (VCV003003298.3), dbSNP rs761898923, ClinGen allele CA6905214.